The following is an entry in ClinVar:

ClinVar aggregate classification (germline): Uncertain significance (1 of 4 stars; one submission).

gnomAD v4.1: 1 of 1,613,984 alleles (0.000062%); highest among the groups gnomAD compares: Non-Finnish European, 0.000085%; no homozygotes.

Submission:

Labcorp Genetics (formerly Invitae), Labcorp
Classification: Uncertain significance. Last evaluated: 2024-06-20. Review status: criteria provided, single submitter. Criteria: Invitae Variant Classification Sherloc (09022015). Collection method: clinical testing. Allele origin: germline.
Comment: This sequence change replaces glycine, which is neutral and non-polar, with serine, which is neutral and polar, at codon 162 of the DIABLO protein (p.Gly162Ser). This variant is not present in population databases (gnomAD no frequency). This variant has not been reported in the literature in individuals affected with DIABLO-related conditions. Algorithms developed to predict the effect of missense changes on protein structure and function output the following: SIFT: "Not Available"; PolyPhen-2: "Benign"; Align-GVGD: "Not Available". The serine amino acid residue is found in multiple mammalian species, which suggests that this missense change does not adversely affect protein function. In summary, the available evidence is currently insufficient to determine the role of this variant in disease. Therefore, it has been classified as a Variant of Uncertain Significance.

NM_001371333.1(DIABLO):c.484G>A (p.Gly162Ser)

Gene: DIABLO (diablo IAP-binding mitochondrial protein; minus strand). Cytogenetic location: 12q24.31.
Variant type: single nucleotide variant.
Coding change: c.484G>A on transcript NM_001371333.1 (MANE Select); coding-DNA position 484, G replaced by A.
Protein change: p.Gly162Ser; replaces glycine 162 with serine.
Molecular consequence: missense variant.
Genome position (GRCh38, 1-based): chr12:122,216,527, C>T on the plus strand (G>A on the coding strand, the complement: DIABLO is on the minus strand). VCF-style: chr12-122216527-C-T. GRCh37 (hg19) VCF-style: chr12-122701074-C-T.
Other names: c.193G>A, p.Gly65Ser (NM_001278302.1); c.265G>A, p.Gly89Ser (NM_001278303.1); c.325G>A, p.Gly109Ser (NM_001278304.2, NM_138930.3); c.352G>A, p.Gly118Ser (NM_001278342.1); c.484G>A, p.Gly162Ser (NM_019887.6); short protein forms G162S, G65S, G118S, G89S, G109S.
Identifiers: ClinVar variation 3698922 (VCV003698922.2).